The following is an entry in ClinVar:

ClinVar aggregate classification (germline): Uncertain significance. Review status: criteria provided, multiple submitters, no conflicts (2 of 4 stars). 2 submissions from 2 submitters: Uncertain significance (2). Last evaluated 2024-01-24.

gnomAD v4.1: 28 of 1,614,086 alleles (0.0017%); highest among the groups gnomAD compares: South Asian, 0.0033%; no homozygotes.

Submissions (2):

Labcorp Genetics (formerly Invitae), Labcorp
Classification: Uncertain significance. Last evaluated: 2024-01-24. Review status: criteria provided, single submitter. Criteria: Invitae Variant Classification Sherloc (09022015). Collection method: clinical testing. Allele origin: germline.
Comment: This sequence change replaces glutamine, which is neutral and polar, with arginine, which is basic and polar, at codon 2384 of the IGSF10 protein (p.Gln2384Arg). This variant is present in population databases (rs533904682, gnomAD 0.003%). This variant has not been reported in the literature in individuals affected with IGSF10-related conditions. ClinVar contains an entry for this variant (Variation ID: 1936149). Algorithms developed to predict the effect of missense changes on protein structure and function output the following: SIFT: "Not Available"; PolyPhen-2: "Benign"; Align-GVGD: "Not Available". The arginine amino acid residue is found in multiple mammalian species, which suggests that this missense change does not adversely affect protein function. In summary, the available evidence is currently insufficient to determine the role of this variant in disease. Therefore, it has been classified as a Variant of Uncertain Significance.

Ambry Genetics
Classification: Uncertain significance. Last evaluated: 2023-10-13. Review status: criteria provided, single submitter. Criteria: Ambry Variant Classification Scheme 2023. Collection method: clinical testing. Allele origin: germline.

NM_178822.5(IGSF10):c.7151A>G (p.Gln2384Arg)

Gene: IGSF10 (immunoglobulin superfamily member 10; minus strand). Cytogenetic location: 3q25.1.
Variant type: single nucleotide variant.
Coding change: c.7151A>G on transcript NM_178822.5 (MANE Select); coding-DNA position 7151, A replaced by G.
Protein change: p.Gln2384Arg; replaces glutamine 2384 with arginine.
Molecular consequence: missense variant.
Genome position (GRCh38, 1-based): chr3:151,437,410, T>C on the plus strand (A>G on the coding strand, the complement: IGSF10 is on the minus strand). VCF-style: chr3-151437410-T-C. GRCh37 (hg19) VCF-style: chr3-151155198-T-C.
Other names: c.1088A>G, p.Gln363Arg (NM_001178145.3, NM_001178146.3); c.7151A>G, p.Gln2384Arg (NM_001385060.1, NM_001385061.1, NM_001385062.1 and 1 more transcripts); c.7151A>G (NM_178822.4); short protein forms Q2384R, Q363R.
Identifiers: ClinVar variation 1936149 (VCV001936149.6), dbSNP rs533904682, ClinGen allele CA2669358.